The following is an entry in ClinVar:

NM_001374736.1(DST):c.6301C>T (p.Leu2101=)

Gene: DST (dystonin; minus strand). Cytogenetic location: 6p12.1.
Variant type: single nucleotide variant.
Coding change: c.6301C>T on transcript NM_001374736.1 (MANE Select); coding-DNA position 6301, C replaced by T.
Protein change: p.Leu2101=; no amino-acid change (leucine 2101 retained).
Molecular consequence: synonymous variant. On other transcripts: intron variant (6).
Genome position (GRCh38, 1-based): chr6:56,608,327, G>A on the plus strand (C>T on the coding strand, the complement: DST is on the minus strand). VCF-style: chr6-56608327-G-A. GRCh37 (hg19) VCF-style: chr6-56473125-G-A.
Other names: c.6301C>T, p.Leu2101= (NM_001374722.1); c.5668C>T, p.Leu1890= (NM_001374729.1); c.6328C>T, p.Leu2110= (NM_001374734.1); c.5184+2100C>T (NM_001144769.5); c.4770+2100C>T (NM_001144770.2); c.4650+2100C>T (NM_001374730.1, NM_001386100.1, NM_183380.4); c.3672+2100C>T (NM_015548.5).
Identifiers: ClinVar variation 3026546 (VCV003026546.22), dbSNP rs2536440131, ClinGen allele CA2679214071.

ClinVar aggregate classification (germline): Likely benign (1 of 4 stars; one submission).

Allele frequency attached by ClinVar (database versions not stated): gnomAD exomes below 0.00001.
gnomAD v4.1: 1 of 1,612,800 alleles (0.000062%); highest among the groups gnomAD compares: Non-Finnish European, 0.000085%; no homozygotes.

Submission:

CeGaT Center for Human Genetics Tuebingen
Classification: Likely benign. Last evaluated: 2024-02-01. Review status: criteria provided, single submitter. Criteria: CeGaT Center For Human Genetics Tuebingen Variant Classification Criteria Version 2. Collection method: clinical testing. Allele origin: germline. Affected: yes. Observed: 1 variant allele.
Comment: DST: PM2:Supporting, BP4, BP7